The following is an entry in ClinVar:

ClinVar aggregate classification (germline): Conflicting classifications of pathogenicity. Review status: criteria provided, conflicting classifications (1 of 4 stars). 3 submissions from 3 submitters: Uncertain significance (2); Likely benign (1). Last evaluated 2024-09-03.

Conditions:
Hereditary cancer-predisposing syndrome. Also called: Neoplastic Syndromes, Hereditary; Tumor predisposition; Hereditary neoplastic syndrome; Hereditary Cancer Syndrome. Identifiers: Orphanet 140162, MedGen C0027672, MeSH D009386, MONDO:0015356.
Hereditary breast ovarian cancer syndrome. Also called: Hereditary breast and ovarian cancer; Hereditary breast and ovarian cancer syndrome; Hereditary breast and ovarian cancer syndrome (HBOC); Hereditary breast and/or ovarian cancer syndrome; Breast and ovarian cancer; BRCA1- and BRCA2-Associated Hereditary Breast and Ovarian Cancer. Identifiers: Orphanet 145, MedGen C0677776, MeSH D061325, MONDO:0003582. Disease mechanism: loss of function.

Submissions (3):

Quest Diagnostics Nichols Institute San Juan Capistrano
Classification: Uncertain significance. Last evaluated: 2024-09-03. Review status: criteria provided, single submitter. Criteria: Quest Diagnostics criteria. Collection method: clinical testing. Allele origin: unknown.
Comment: The BRCA2 c.4256A>T (p.Lys1419Ile) variant has been reported in the published literature as a somatic variant detected in a prostate cancer tumor (PMID: 36922933 (2022)). This variant has also been reported to be located in a region of the BRCA2 gene that is tolerant to missense sequence changes (PMID: 31911673 (2020)). This variant has not been reported in large, multi-ethnic general populations (Genome Aggregation Database). Analysis of this variant using bioinformatics tools for the prediction of the effect of amino acid changes on protein structure and function yielded conflicting predictions that this variant is benign or damaging. Based on the available information, we are unable to determine the clinical significance of this variant.

University of Washington Department of Laboratory Medicine, University of Washington
Classification: Likely benign for Hereditary cancer-predisposing syndrome. Last evaluated: 2023-03-23. Review status: criteria provided, single submitter. Criteria: Dines et al. (Genet Med. 2020). Collection method: curation. Allele origin: germline.
Comment: Missense variant in a coldspot region where missense variants are very unlikely to be pathogenic (PMID:31911673).

BRCA2 exon 11 coldspot. Reclassification based on statistical prior probability.

Labcorp Genetics (formerly Invitae), Labcorp
Classification: Uncertain significance for Hereditary breast ovarian cancer syndrome. Last evaluated: 2018-09-20. Review status: criteria provided, single submitter. Criteria: Invitae Variant Classification Sherloc (09022015). Collection method: clinical testing. Allele origin: germline.
Comment: This sequence change replaces lysine with isoleucine at codon 1419 of the BRCA2 protein (p.Lys1419Ile). The lysine residue is weakly conserved and there is a moderate physicochemical difference between lysine and isoleucine. This variant is not present in population databases (ExAC no frequency). This variant has not been reported in the literature in individuals with BRCA2-related disease. Algorithms developed to predict the effect of missense changes on protein structure and function are either unavailable or do not agree on the potential impact of this missense change (SIFT: "Tolerated"; PolyPhen-2: "Probably Damaging"; Align-GVGD: "Class C0"). In summary, the available evidence is currently insufficient to determine the role of this variant in disease. Therefore, it has been classified as a Variant of Uncertain Significance.

Literature cited by the submitters: PubMed 31911673 (cited by Quest Diagnostics Nichols Institute San Juan Capistrano); PubMed 36922933 (cited by Quest Diagnostics Nichols Institute San Juan Capistrano).

NM_000059.4(BRCA2):c.4256A>T (p.Lys1419Ile)

Gene: BRCA2 (BRCA2 DNA repair associated; plus strand). Cytogenetic location: 13q13.1.
Variant type: single nucleotide variant.
Coding change: c.4256A>T on transcript NM_000059.4 (MANE Select); coding-DNA position 4256, A replaced by T.
Protein change: p.Lys1419Ile; replaces lysine 1419 with isoleucine.
Molecular consequence: missense variant.
Genome position (GRCh38, 1-based): chr13:32,338,611, A>T. VCF-style: chr13-32338611-A-T. GRCh37 (hg19) VCF-style: chr13-32912748-A-T.
Other names: short protein forms K1419I.
Identifiers: ClinVar variation 644071 (VCV000644071.11), dbSNP rs1593901833, ClinGen allele CA387780462.